The following is an entry in ClinVar:

NM_001367856.1(PROSER3):c.626+6C>T

Gene: PROSER3 (proline and serine rich 3; plus strand). Cytogenetic location: 19q13.12.
Variant type: single nucleotide variant.
Coding change: c.626+6C>T on transcript NM_001367856.1 (MANE Select); 6 bases into the intron after coding-DNA position 626, C replaced by T.
Molecular consequence: intron variant.
Genome position (GRCh38, 1-based): chr19:35,764,942, C>T. VCF-style: chr19-35764942-C-T. GRCh37 (hg19) VCF-style: chr19-36255843-C-T.
Other names: c.371+6C>T (NM_001395453.1, NM_001395455.1); c.368+6C>T (NM_001395452.1, NM_001395457.1); c.626+6C>T (NM_001395458.1, NM_001039887.3, NM_001395456.1); c.623+6C>T (NM_001395450.1, NM_001395451.1); c.326+6C>T (NM_001395454.1).
Identifiers: ClinVar variation 3770538 (VCV003770538.13).

ClinVar aggregate classification (germline): Benign (1 of 4 stars; one submission).

gnomAD v4.1: 16,773 of 1,613,440 alleles (1%); highest among the groups gnomAD compares: Non-Finnish European, 1.2%; 105 homozygotes.

Submission:

CeGaT Center for Human Genetics Tuebingen
Classification: Benign. Last evaluated: 2025-06-01. Review status: criteria provided, single submitter. Criteria: CeGaT Center For Human Genetics Tuebingen Variant Classification Criteria Version 2. Collection method: clinical testing. Allele origin: germline. Affected: yes. Observed: 2 variant alleles.
Comment: PROSER3: BP4, BS1, BS2